The following is an entry in ClinVar:

NM_005585.5(SMAD6):c.43C>G (p.Arg15Gly)

Gene: SMAD6 (SMAD family member 6; plus strand). Cytogenetic location: 15q22.31.
Variant type: single nucleotide variant.
Coding change: c.43C>G on transcript NM_005585.5 (MANE Select); coding-DNA position 43, C replaced by G.
Protein change: p.Arg15Gly; replaces arginine 15 with glycine.
Molecular consequence: missense variant. On other transcripts: non-coding transcript variant (1).
Genome position (GRCh38, 1-based): chr15:66,703,301, C>G. VCF-style: chr15-66703301-C-G. GRCh37 (hg19) VCF-style: chr15-66995639-C-G.
Other names: short protein forms R15G.
Identifiers: ClinVar variation 648761 (VCV000648761.11), dbSNP rs766270982, ClinGen allele CA392948354.

ClinVar aggregate classification (germline): Uncertain significance. Review status: criteria provided, multiple submitters, no conflicts (2 of 4 stars). 2 submissions from 2 submitters: Uncertain significance (2). Last evaluated 2025-10-13.

Conditions:
Aortic valve disease 2 (AOVD2). Identifiers: MedGen C3542024, MONDO:0013902, OMIM 614823.

Submissions (2):

GeneDx
Classification: Uncertain significance. Last evaluated: 2025-10-13. Review status: criteria provided, single submitter. Criteria: GeneDx Variant Classification Process June 2021. Collection method: clinical testing. Allele origin: germline. Affected: yes.
Comment: Not observed at significant frequency in large population cohorts (gnomAD); In silico analysis suggests that this missense variant does not alter protein structure/function; Has not been previously published as pathogenic or benign to our knowledge

Labcorp Genetics (formerly Invitae), Labcorp
Classification: Uncertain significance for Aortic valve disease 2. Last evaluated: 2024-04-17. Review status: criteria provided, single submitter. Criteria: Invitae Variant Classification Sherloc (09022015). Collection method: clinical testing. Allele origin: germline.
Comment: This sequence change replaces arginine, which is basic and polar, with glycine, which is neutral and non-polar, at codon 15 of the SMAD6 protein (p.Arg15Gly). This variant is not present in population databases (gnomAD no frequency). This variant has not been reported in the literature in individuals affected with SMAD6-related conditions. ClinVar contains an entry for this variant (Variation ID: 648761). An algorithm developed to predict the effect of missense changes on protein structure and function (PolyPhen-2) suggests that this variant is likely to be disruptive. In summary, the available evidence is currently insufficient to determine the role of this variant in disease. Therefore, it has been classified as a Variant of Uncertain Significance.